The following is an entry in ClinVar:

NM_000455.5(STK11):c.1277G>A (p.Arg426Gln)

Gene: STK11 (serine/threonine kinase 11; plus strand). Cytogenetic location: 19p13.3.
Variant type: single nucleotide variant.
Coding change: c.1277G>A on transcript NM_000455.5 (MANE Select); coding-DNA position 1277, G replaced by A.
Protein change: p.Arg426Gln; replaces arginine 426 with glutamine.
Molecular consequence: missense variant.
Genome position (GRCh38, 1-based): chr19:1,226,622, G>A. VCF-style: chr19-1226622-G-A. GRCh37 (hg19) VCF-style: chr19-1226621-G-A.
Other names: short protein forms R426Q.
Identifiers: ClinVar variation 818777 (VCV000818777.24), dbSNP rs752699287, ClinGen allele CA046248.

ClinVar aggregate classification (germline): Uncertain significance. Review status: criteria provided, multiple submitters, no conflicts (2 of 4 stars). 6 submissions from 6 submitters: Uncertain significance (6). Last evaluated 2025-11-02.

Conditions:
Hereditary cancer-predisposing syndrome. Also called: Neoplastic Syndromes, Hereditary; Tumor predisposition; Hereditary Cancer Syndrome; Hereditary neoplastic syndrome. Identifiers: Orphanet 140162, MedGen C0027672, MeSH D009386, MONDO:0015356.
Peutz-Jeghers syndrome (PJS). Also called: POLYPOSIS, HAMARTOMATOUS INTESTINAL; POLYPS-AND-SPOTS SYNDROME; Peutz-Jeghers polyposis; Periorificial lentiginosis syndrome. Identifiers: Orphanet 2869, MedGen C0031269, MeSH D010580, MONDO:0008280, OMIM 175200.

Allele frequency attached by ClinVar (database versions not stated): gnomAD exomes 0.00001; ExAC 0.00007.
gnomAD v4.1: 8 of 1,547,634 alleles (0.00052%); highest among the groups gnomAD compares: East Asian, 0.0049%; no homozygotes.

Submissions (6):

Labcorp Genetics (formerly Invitae), Labcorp
Classification: Uncertain significance for Peutz-Jeghers syndrome. Last evaluated: 2025-11-02. Review status: criteria provided, single submitter. Criteria: Invitae Variant Classification Sherloc (09022015). Collection method: clinical testing. Allele origin: germline.
Comment: This sequence change replaces arginine, which is basic and polar, with glutamine, which is neutral and polar, at codon 426 of the STK11 protein (p.Arg426Gln). The frequency data for this variant in the population databases is considered unreliable, as metrics indicate poor data quality at this position in the gnomAD database. This missense change has been observed in individual(s) with breast cancer (PMID: 30287823, 35218119). ClinVar contains an entry for this variant (Variation ID: 818777). Invitae Evidence Modeling of protein sequence and biophysical properties (such as structural, functional, and spatial information, amino acid conservation, physicochemical variation, residue mobility, and thermodynamic stability) indicates that this missense variant is not expected to disrupt STK11 protein function with a negative predictive value of 95%. In summary, the available evidence is currently insufficient to determine the role of this variant in disease. Therefore, it has been classified as a Variant of Uncertain Significance.

Ambry Genetics
Classification: Uncertain significance for Hereditary cancer-predisposing syndrome. Last evaluated: 2025-08-20. Review status: criteria provided, single submitter. Criteria: Ambry Variant Classification Scheme 2023. Collection method: clinical testing. Allele origin: germline.
Comment: The p.R426Q variant (also known as c.1277G>A), located in coding exon 9 of the STK11 gene, results from a G to A substitution at nucleotide position 1277. The arginine at codon 426 is replaced by glutamine, an amino acid with highly similar properties. This amino acid position is highly conserved through mammals but not in all available vertebrate species. In addition, this alteration is predicted to be tolerated by in silico analysis. Since supporting evidence is limited at this time, the clinical significance of this alteration remains unclear.

All of Us Research Program, National Institutes of Health
Classification: Uncertain significance for Peutz-Jeghers syndrome. Last evaluated: 2024-08-06. Review status: criteria provided, single submitter. Criteria: ACMG Guidelines, 2015. Collection method: clinical testing. Allele origin: germline. Inheritance: Autosomal dominant inheritance. Observed: 2 variant alleles, 2 heterozygotes.
Comment: This missense variant replaces arginine with glutamine at codon 426 of the STK11 protein. Computational prediction suggests that this variant may not impact protein structure and function (internally defined REVEL score threshold <= 0.5, PMID: 27666373). To our knowledge, functional studies have not been reported for this variant. In a breast cancer case-control study conducted in Japan, this variant was detected in 3/7051 female cases, 4/11241 female controls, 0/53 male cases, and 2/12490 male controls (PMID: 30287823). This variant has been identified in 1/146102 chromosomes in the general population by the Genome Aggregation Database (gnomAD). The available evidence is insufficient to determine the role of this variant in disease conclusively. Therefore, this variant is classified as a Variant of Uncertain Significance.

This study involves interpretation of variants in research participants for the purpose of population health screening. Participant phenotype was not available at the time of variant classification. Additional details can be found in publication PMID: 35346344, PMCID: PMC8962531

Color Diagnostics, LLC DBA Color Health
Classification: Uncertain significance for Hereditary cancer-predisposing syndrome. Last evaluated: 2023-04-27. Review status: criteria provided, single submitter. Criteria: ACMG Guidelines, 2015. Collection method: clinical testing. Allele origin: germline.
Comment: This missense variant replaces arginine with glutamine at codon 426 of the STK11 protein. Computational prediction suggests that this variant may not impact protein structure and function (internally defined REVEL score threshold <= 0.5, PMID: 27666373). To our knowledge, functional studies have not been reported for this variant. In a breast cancer case-control study conducted in Japan, this variant was detected in 3/7051 female cases, 4/11241 female controls, 0/53 male cases, and 2/12490 male controls (PMID: 30287823). This variant has been identified in 1/146102 chromosomes in the general population by the Genome Aggregation Database (gnomAD). The available evidence is insufficient to determine the role of this variant in disease conclusively. Therefore, this variant is classified as a Variant of Uncertain Significance.

Genome-Nilou Lab
Classification: Uncertain significance for Peutz-Jeghers syndrome. Last evaluated: 2021-07-15. Review status: criteria provided, single submitter. Criteria: ACMG Guidelines, 2015. Collection method: clinical testing. Allele origin: germline. Affected: no.

Blueprint Genetics
Classification: Uncertain significance. Last evaluated: 2021-07-02. Review status: criteria provided, single submitter. Criteria: ACMG Guidelines, 2015. Collection method: clinical testing. Allele origin: germline.

Literature cited by the submitters: PubMed 30287823 (cited by 3 submitters); PubMed 35218119 (cited by Labcorp Genetics (formerly Invitae), Labcorp).